The following is an entry in ClinVar:

ClinVar aggregate classification (germline): Uncertain significance. Review status: criteria provided, multiple submitters, no conflicts (2 of 4 stars). 2 submissions from 2 submitters: Uncertain significance (2). Last evaluated 2024-08-09.

Conditions:
Gillespie syndrome (GLSP). Also called: Aniridia, cerebellar ataxia, and mental deficiency; Aniridia-cerebellar ataxia-intellectual disability syndrome. Identifiers: Orphanet 1065, MedGen C0431401, MONDO:0008795, OMIM 206700.

Allele frequency attached by ClinVar (database versions not stated): gnomAD below 0.00001 and 0.00001; gnomAD exomes below 0.00001; TOPMed below 0.00001.
gnomAD v4.1: 6 of 1,613,414 alleles (0.00037%); highest among the groups gnomAD compares: Admixed American, 0.0017%; no homozygotes.

Submissions (2):

Blueprint Genetics
Classification: Uncertain significance. Last evaluated: 2024-08-09. Review status: criteria provided, single submitter. Criteria: ACMG Guidelines, 2015. Collection method: clinical testing. Allele origin: germline.

Genetics Department, University Hospital of Toulouse
Classification: Uncertain significance for Gillespie syndrome. Last evaluated: 2020-11-26. Review status: criteria provided, single submitter. Criteria: ACMG Guidelines, 2015. Collection method: clinical testing. Allele origin: germline. Affected: no.
Comment: PM2, PP3

NM_001378452.1(ITPR1):c.4249C>T (p.Arg1417Cys)

Gene: ITPR1 (inositol 1,4,5-trisphosphate receptor type 1; plus strand). Cytogenetic location: 3p26.1.
Variant type: single nucleotide variant.
Coding change: c.4249C>T on transcript NM_001378452.1 (MANE Select); coding-DNA position 4249, C replaced by T.
Protein change: p.Arg1417Cys; replaces arginine 1417 with cysteine.
Molecular consequence: missense variant.
Genome position (GRCh38, 1-based): chr3:4,693,709, C>T. VCF-style: chr3-4693709-C-T. GRCh37 (hg19) VCF-style: chr3-4735393-C-T.
Other names: c.4222C>T, p.Arg1408Cys (NM_001099952.4); c.4204C>T, p.Arg1402Cys (NM_001168272.2); c.4177C>T, p.Arg1393Cys (NM_002222.7); short protein forms R1393C, R1402C, R1408C, R1417C.
Identifiers: ClinVar variation 988080 (VCV000988080.3), dbSNP rs1168676216, ClinGen allele CA351631886.